The following is an entry in ClinVar:

ClinVar aggregate classification (germline): Benign. Review status: criteria provided, multiple submitters, no conflicts (2 of 4 stars). 3 submissions from 3 submitters: Benign (2). 1 of the submissions does not count toward it. Last evaluated 2019-09-04.

Allele frequency attached by ClinVar (database versions not stated): 1000 Genomes Project 30x 0.13367; gnomAD exomes 0.09474; TOPMed 0.10635; 1000 Genomes Project 0.13059; gnomAD 0.10147 and 0.10395.

Submissions (3):

GeneDx
Classification: Benign. Last evaluated: 2019-09-04. Review status: criteria provided, single submitter. Criteria: GeneDx Variant Classification Process June 2021. Collection method: clinical testing. Allele origin: germline. Affected: yes.

Breakthrough Genomics
Classification: Benign. Review status: criteria provided, single submitter. Criteria: ACMG Guidelines, 2015. Collection method: not provided. Allele origin: germline. Inheritance: Autosomal recessive inheritance. Affected: yes.

ZMPSTE24 homepage - Leiden Muscular Dystrophy pages
No classification provided. Review status: no classification provided. Collection method: not provided. Allele origin: germline. Not counted in ClinVar's aggregate classification.
Comment: no known functional consequence

NM_005857.3(ZMPSTE24):c.-326G>A

Genes: ZMPSTE24 (zinc metallopeptidase STE24; plus strand), LOC129930252 (ATAC-STARR-seq lymphoblastoid active region 835; plus strand). Cytogenetic location: 1p34.2.
Variant type: single nucleotide variant.
Coding change: c.-326G>A on transcript NM_005857.3; 326 bases upstream of the start codon, G replaced by A.
Genome position (GRCh38, 1-based): chr1:40,257,946, G>A. VCF-style: chr1-40257946-G-A. GRCh37 (hg19) VCF-style: chr1-40723618-G-A.
Identifiers: ClinVar variation 140505 (VCV000140505.7), dbSNP rs3765483, ClinGen allele CA232712.